The following is an entry in ClinVar:

NM_001999.4(FBN2):c.3396C>A (p.Val1132=)

Gene: FBN2 (fibrillin 2; minus strand). Cytogenetic location: 5q23.3.
Variant type: single nucleotide variant.
Coding change: c.3396C>A on transcript NM_001999.4 (MANE Select); coding-DNA position 3396, C replaced by A.
Protein change: p.Val1132=; no amino-acid change (valine 1132 retained).
Molecular consequence: synonymous variant.
Genome position (GRCh38, 1-based): chr5:128,339,009, G>T on the plus strand (C>A on the coding strand, the complement: FBN2 is on the minus strand). VCF-style: chr5-128339009-G-T. GRCh37 (hg19) VCF-style: chr5-127674701-G-T.
Identifiers: ClinVar variation 3234720 (VCV003234720.20), dbSNP rs1260326137, ClinGen allele CA446310841.
Genomic context (GRCh38, chr5:128,339,009, plus strand): 5'-CATCATGAAGCCACTTTCATAGCCTTCGAAGCACTCGCACTCAAAGCTGCCCGGTGTATT[G>T]ACGCAGATTCCACTGCCACAGAGGTCAGGAGAAATCCTGCACTCGTCGATGTCTAATTCA-3'
Protein context (NP_001990.2, residues 1122-1142): SPDLCGSGIC[Val1132=]NTPGSFECEC

ClinVar aggregate classification (germline): Likely benign (1 of 4 stars; one submission).

Submission:

CeGaT Center for Human Genetics Tuebingen
Classification: Likely benign. Last evaluated: 2024-04-01. Review status: criteria provided, single submitter. Criteria: CeGaT Center For Human Genetics Tuebingen Variant Classification Criteria Version 2. Collection method: clinical testing. Allele origin: germline. Affected: yes. Observed: 1 variant allele.
Comment: FBN2: PM2:Supporting, BP4, BP7